The following is an entry in ClinVar:

ClinVar aggregate classification (germline): Pathogenic (1 of 4 stars; one submission).

Submission:

GeneDx
Classification: Pathogenic. Last evaluated: 2023-03-17. Review status: criteria provided, single submitter. Criteria: GeneDx Variant Classification Process June 2021. Collection method: clinical testing. Allele origin: germline. Affected: yes.
Comment: Not observed at significant frequency in large population cohorts (gnomAD); In silico analysis supports that this missense variant has a deleterious effect on protein structure/function; Has not been previously published as pathogenic or benign to our knowledge

NM_001326342.2(CELF2):c.1517G>T (p.Arg506Leu)

Genes: CELF2 (CUGBP Elav-like family member 2; plus strand), CELF2-AS1 (CELF2 antisense RNA 1; minus strand). Cytogenetic location: 10p14.
Variant type: single nucleotide variant.
Coding change: c.1517G>T on transcript NM_001326342.2 (MANE Select); coding-DNA position 1517, G replaced by T.
Protein change: p.Arg506Leu; replaces arginine 506 with leucine.
Molecular consequence: missense variant.
Genome position (GRCh38, 1-based): chr10:11,329,004, G>T. VCF-style: chr10-11329004-G-T. GRCh37 (hg19) VCF-style: chr10-11370967-G-T.
Other names: c.1424G>T, p.Arg475Leu (NM_001025076.2, NM_001326318.2, NM_001326320.2 and 6 more transcripts); c.1478G>T, p.Arg493Leu (NM_001025077.3, NM_001326319.2, NM_001326332.2); c.1418G>T, p.Arg473Leu (NM_001083591.1); c.1406G>T, p.Arg469Leu (NM_001326317.2, NM_001326329.2, NM_001326344.2 and 2 more transcripts); c.1448G>T, p.Arg483Leu (NM_001326321.2); c.1466G>T, p.Arg489Leu (NM_001326323.2); c.1571G>T, p.Arg524Leu (NM_001326325.2, NM_001326343.2); c.1514G>T, p.Arg505Leu (NM_001326326.2); and 14 more; short protein forms R265L, R271L, R382L, R388L, R437L, R469L, R473L, R475L.
Identifiers: ClinVar variation 2579922 (VCV002579922.1), dbSNP rs2132785456, ClinGen allele CA375974126.